The following is an entry in ClinVar:

ClinVar aggregate classification (germline): Likely benign. Review status: criteria provided, multiple submitters, no conflicts (2 of 4 stars). 4 submissions from 4 submitters: Likely benign (4). Last evaluated 2026-07-01.

Conditions:
Agammaglobulinemia 2, autosomal recessive (AGM2). Also called: AGAMMAGLOBULINEMIA, AUTOSOMAL RECESSIVE, DUE TO IGLL1 DEFECT. Identifiers: MedGen C3150750, MONDO:0013287, OMIM 613500.

Allele frequency attached by ClinVar (database versions not stated): ExAC 0.00017; 1000 Genomes Project 0.00040; 1000 Genomes Project 30x 0.00047; gnomAD 0.00135.

Submissions (4):

CeGaT Center for Human Genetics Tuebingen
Classification: Likely benign. Last evaluated: 2026-07-01. Review status: criteria provided, single submitter. Criteria: CeGaT Center For Human Genetics Tuebingen Variant Classification Criteria Version 2. Collection method: clinical testing. Allele origin: germline. Affected: yes. Observed: 2 variant alleles.
Comment: IGLL1: BP4, BP7

Labcorp Genetics (formerly Invitae), Labcorp
Classification: Likely benign for Agammaglobulinemia 2, autosomal recessive. Last evaluated: 2026-01-21. Review status: criteria provided, single submitter. Criteria: Invitae Variant Classification Sherloc (09022015). Collection method: clinical testing. Allele origin: germline.

Blueprint Genetics
Classification: Likely benign. Last evaluated: 2024-11-25. Review status: criteria provided, single submitter. Criteria: ACMG Guidelines, 2015. Collection method: clinical testing. Allele origin: germline.

ARUP Laboratories, Molecular Genetics and Genomics, ARUP Laboratories
Classification: Likely benign. Last evaluated: 2018-04-01. Review status: criteria provided, single submitter. Criteria: ARUP Molecular Germline Variant Investigation Process. Collection method: clinical testing. Allele origin: germline.
Comment: The c.420T>C; p.Phe140Phe variant (rs1064423) does not alter the amino acid sequence of the IGLL1 protein and computational splice site prediction algorithms do not predict a change in the nearest splice site or creation of a cryptic splice site. This variant has not been reported in association with antibody deficiency in medical literature or in gene specific variation databases. This variant is listed in the genome Aggregation Database (gnomAD) with an overall population frequency of 0.04% (identified on 106 out of 276,448 chromosomes). Based on the available information, the c.420T>C variant is likely to be benign.

NM_020070.4(IGLL1):c.420T>C (p.Phe140=)

Gene: IGLL1 (immunoglobulin lambda like polypeptide 1; minus strand). Cytogenetic location: 22q11.23.
Variant type: single nucleotide variant.
Coding change: c.420T>C on transcript NM_020070.4 (MANE Select); coding-DNA position 420, T replaced by C.
Protein change: p.Phe140=; no amino-acid change (phenylalanine 140 retained).
Molecular consequence: synonymous variant. On other transcripts: 3 prime UTR variant (1).
Genome position (GRCh38, 1-based): chr22:23,573,488, A>G on the plus strand (T>C on the coding strand, the complement: IGLL1 is on the minus strand). VCF-style: chr22-23573488-A-G. GRCh37 (hg19) VCF-style: chr22-23915675-A-G.
Other names: c.423T>C, p.Phe141= (NM_001369906.1); c.*49T>C (NM_152855.3).
Identifiers: ClinVar variation 618690 (VCV000618690.54), dbSNP rs1064423, ClinGen allele CA10143281.